The following is an entry in ClinVar:

ClinVar aggregate classification (germline): Uncertain significance (1 of 4 stars; one submission).

Submission:

Ambry Genetics
Classification: Uncertain significance. Last evaluated: 2022-07-17. Review status: criteria provided, single submitter. Criteria: Ambry Variant Classification Scheme 2023. Collection method: clinical testing. Allele origin: germline.
Comment: The p.N3K variant (also known as c.9T>G), located in coding exon 1 of the MNDA gene, results from a T to G substitution at nucleotide position 9. The asparagine at codon 3 is replaced by lysine, an amino acid with similar properties. This amino acid position is conserved. In addition, this alteration is predicted to be tolerated by in silico analysis. Since supporting evidence is limited at this time, the clinical significance of this alteration remains unclear.

NM_002432.3(MNDA):c.9T>G (p.Asn3Lys)

Gene: MNDA (myeloid cell nuclear differentiation antigen; plus strand). Cytogenetic location: 1q23.1.
Variant type: single nucleotide variant.
Coding change: c.9T>G on transcript NM_002432.3 (MANE Select); coding-DNA position 9, T replaced by G.
Protein change: p.Asn3Lys; replaces asparagine 3 with lysine.
Molecular consequence: missense variant.
Genome position (GRCh38, 1-based): chr1:158,842,162, T>G. VCF-style: chr1-158842162-T-G. GRCh37 (hg19) VCF-style: chr1-158811952-T-G.
Other names: short protein forms N3K.
Identifiers: ClinVar variation 1768952 (VCV001768952.2), dbSNP rs905408372, ClinGen allele CA343036177.
Genomic context (GRCh38, chr1:158,842,162, plus strand): 5'-GTGTAATGTTGTGTGTCATTTTTACTTTATAGGCCAAGCTATAACATCAGAAATGGTGAA[T>G]GAATACAAGAAAATTCTTTTGCTGAAAGGATTTGAGCTCATGGATGATTATCATTTTACA-3'
Protein context (NP_002423.1, residues 1-13): MV[Asn3Lys]EYKKILLLKG